The following is an entry in ClinVar:

NM_001943.5(DSG2):c.*677T>C

Genes: DSG2 (desmoglein 2; plus strand), DSG2-AS1 (DSG2 antisense RNA 1; minus strand). Cytogenetic location: 18q12.1.
Variant type: single nucleotide variant.
Coding change: c.*677T>C on transcript NM_001943.5 (MANE Select); 677 bases downstream of the stop codon, T replaced by C.
Molecular consequence: 3 prime UTR variant.
Genome position (GRCh38, 1-based): chr18:31,547,420, T>C. VCF-style: chr18-31547420-T-C. GRCh37 (hg19) VCF-style: chr18-29127383-T-C.
Other names: c.*677T>C (LRG_397t1).
Identifiers: ClinVar variation 326508 (VCV000326508.5), dbSNP rs113622947, ClinGen allele CA10647481.

ClinVar aggregate classification (germline): Likely benign (1 of 4 stars; one submission).

Conditions:
Arrhythmogenic right ventricular dysplasia 10. Also called: Arrhythmogenic Right Ventricular Dysplasia/Cardiomyopathy10; ARRHYTHMOGENIC RIGHT VENTRICULAR DYSPLASIA, FAMILIAL, 10; Arrhythmogenic right ventricular dysplasia/cardiomyopathy, type 10. Identifiers: MedGen C1857777, MONDO:0012434, OMIM 610193.

Allele frequency attached by ClinVar (database versions not stated): gnomAD 0.00882 and 0.00822; 1000 Genomes Project 30x 0.00968; TOPMed 0.00883; 1000 Genomes Project 0.00879.

Submission:

Illumina Laboratory Services, Illumina
Classification: Likely benign for Arrhythmogenic right ventricular dysplasia 10. Last evaluated: 2018-06-08. Review status: criteria provided, single submitter. Criteria: ICSL Variant Classification Criteria 13 December 2019. Collection method: clinical testing. Allele origin: germline.
Comment: This variant was observed as part of a predisposition screen in an ostensibly healthy population. A literature search was performed for the gene, cDNA change, and amino acid change (where applicable). No publications were found based on this search. Allele frequency data from public databases allowed determination this variant is unlikely to cause disease. Therefore, this variant is classified as likely benign.